The following is an entry in ClinVar:

ClinVar aggregate classification (germline): Conflicting classifications of pathogenicity. Review status: criteria provided, conflicting classifications (1 of 4 stars). 4 submissions from 4 submitters: Likely pathogenic (1); Uncertain significance (3). Last evaluated 2023-10-06.

Conditions:
Cardiomyopathy (CMYO). Also called: Cardiomyopathies. Identifiers: Orphanet 167848, MedGen C0878544, MONDO:0004994, HP:0001638. Inheritance: Various modes of inheritance.
Cardiovascular phenotype. Identifiers: MedGen CN230736.

Submissions (4):

Ambry Genetics
Classification: Uncertain significance for Cardiovascular phenotype. Last evaluated: 2023-10-06. Review status: criteria provided, single submitter. Criteria: Ambry Variant Classification Scheme 2023. Collection method: clinical testing. Allele origin: germline.
Comment: The c.92_93+1delAGG variant results from a deletion of 3 nucleotides between positions c.92 and c.93+1 and involves the canonical splice donor site after coding exon 2 of the MYL2 gene. The canonical splice donor site is highly conserved in available vertebrate species. Alterations that disrupt the canonical splice site are expected to result in aberrant splicing. In silico splice site analysis predicts that this alteration will weaken the native splice donor site and will result in the creation or strengthening of a novel splice donor site. The resulting transcript is predicted to be in-frame and is not expected to trigger nonsense-mediated mRNA decay; however, direct evidence is unavailable. The exact functional effect of the altered amino acid sequence is unknown. Since supporting evidence is limited at this time, the clinical significance of this alteration remains unclear.

Color Diagnostics, LLC DBA Color Health
Classification: Uncertain significance for Cardiomyopathy. Last evaluated: 2023-01-26. Review status: criteria provided, single submitter. Criteria: ACMG Guidelines, 2015. Collection method: clinical testing. Allele origin: germline.
Comment: This variant causes a deletion of 3 nucleotides from the exon 2-intron 2 border of the MYL2 gene. Splice prediction tool predict that this variant may abolish the native intron 2 splice donor site and create a new donor, which, if used, would result in a deletion of 3 nucleotides from the end of exon 2. To our knowledge, functional studies have not been performed for this variant. This variant has not been reported in individuals affected with MYL2-related disorders in the literature. This variant has not been identified in the general population by the Genome Aggregation Database (gnomAD). The available evidence is insufficient to determine the role of this variant in disease conclusively. Therefore, this variant is classified as a Variant of Uncertain Significance.

GeneDx
Classification: Uncertain significance. Last evaluated: 2019-04-24. Review status: criteria provided, single submitter. Criteria: GeneDx Variant Classification Process June 2021. Collection method: clinical testing. Allele origin: germline. Affected: yes.
Comment: Has not been previously published as pathogenic or benign to our knowledge; Deletion spanning exon 2/intron 2 junction predicted to destroy the canonical splice donor site in a gene for which loss-of-function is not a well-established mechanism of disease; In the absence of RNA functional studies, the actual effect of this sequence change is unknown; Not observed at a significant frequency in large population cohorts (Lek et al., 2016)

CHEO Genetics Diagnostic Laboratory, Children's Hospital of Eastern Ontario
Classification: Likely pathogenic for Cardiomyopathy. Last evaluated: 2017-09-17. Review status: criteria provided, single submitter. Criteria: ACMG Guidelines, 2015. Collection method: clinical testing. Allele origin: germline. Study: Canadian Open Genetics Repository.

NM_000432.4(MYL2):c.92_93+1del

Genes: MYL2 (myosin light chain 2; minus strand), LOC114827850 (VISTA enhancer hs2149; plus strand). Cytogenetic location: 12q24.11.
Variant type: Microsatellite.
Coding change: c.92_93+1del on transcript NM_000432.4 (MANE Select); coding-DNA position 92 through the canonical splice donor site of the intron after coding-DNA position 93, 3 bases deleted (AGG; older notation c.92_93+1delAGG).
Molecular consequence: splice donor variant.
Genome position (GRCh38, 1-based): chr12:110,919,103-110,919,105, CCT deleted on the plus strand (AGG on the coding strand, the reverse complement: MYL2 is on the minus strand); deleting any 3 consecutive bases within chr12:110,919,103-110,919,108 gives the same sequence; the c. name uses the placement nearest the transcript's 3' end. VCF-style (leftmost placement, unchanged base first): chr12-110919102-ACCT-A. GRCh37 (hg19) VCF-style: chr12-111356906-ACCT-A.
Other names: c.92_93+1delAGG (NM_000432.3).
Identifiers: ClinVar variation 626524 (VCV000626524.11), dbSNP rs751392310, ClinGen allele CA6788123.